The following is an entry in ClinVar:

NM_019066.5(MAGEL2):c.1113_1133dup (p.Thr378_Gln379insSerProGlyTrpGlnAlaThr)

Gene: MAGEL2 (MAGE family member L2; minus strand). Cytogenetic location: 15q11.2.
Variant type: Duplication.
Coding change: c.1113_1133dup on transcript NM_019066.5 (MANE Select); coding-DNA positions 1113 to 1133, 21 bases duplicated (CTCGCCAGGATGGCAGGCCAC).
Protein change: p.Thr378_Gln379insSerProGlyTrpGlnAlaThr.
Molecular consequence: inframe insertion.
Genome position (GRCh38, 1-based): chr15:23,646,610-23,646,630, GTGGCCTGCCATCCTGGCGAG duplicated on the plus strand (CTCGCCAGGATGGCAGGCCAC on the coding strand, the reverse complement: MAGEL2 is on the minus strand); duplicating any 21 consecutive bases within chr15:23,646,610-23,646,632 gives the same sequence; the c. name uses the placement nearest the transcript's 3' end. VCF-style (leftmost placement, unchanged base first): chr15-23646609-C-CGTGGCCTGCCATCCTGGCGAG. GRCh37 (hg19) VCF-style: chr15-23891756-C-CGTGGCCTGCCATCCTGGCGAG.
Identifiers: ClinVar variation 2762832 (VCV002762832.3), dbSNP rs2503981931, ClinGen allele CA2697554264.
Genomic context (GRCh38, chr15:23,646,609, plus strand): 5'-TGCCTGCCAGGTGACCTGCGTGGTCTGCCAAGTCAGGGGAGTGGCCTGCCAGCCTTGCTG[C>CGTGGCCTGCCATCCTGGCGAG]GTGGCCTGCCATCCTGGCGAGGTCGCCTGCCAGCCCGGGGGTGTGGCTAGCTGCGCTGGG-3'

ClinVar aggregate classification (germline): Uncertain significance (1 of 4 stars; one submission).

Submission:

Labcorp Genetics (formerly Invitae), Labcorp
Classification: Uncertain significance. Last evaluated: 2023-09-22. Review status: criteria provided, single submitter. Criteria: Invitae Variant Classification Sherloc (09022015). Collection method: clinical testing. Allele origin: germline.
Comment: In summary, the available evidence is currently insufficient to determine the role of this variant in disease. Therefore, it has been classified as a Variant of Uncertain Significance. This variant has not been reported in the literature in individuals affected with MAGEL2-related conditions. This variant is not present in population databases (gnomAD no frequency). This variant, c.1113_1133dup, results in the insertion of 7 amino acid(s) of the MAGEL2 protein (p.Ser372_Thr378dup), but otherwise preserves the integrity of the reading frame.